The following is an entry in ClinVar:

ClinVar aggregate classification (germline): Uncertain significance (1 of 4 stars; one submission).

Conditions:
Hereditary cancer-predisposing syndrome. Also called: Tumor predisposition; Neoplastic Syndromes, Hereditary; Hereditary neoplastic syndrome; Hereditary Cancer Syndrome. Identifiers: Orphanet 140162, MedGen C0027672, MeSH D009386, MONDO:0015356.

Allele frequency attached by ClinVar (database versions not stated): 1000 Genomes Project 0.00020; 1000 Genomes Project 30x 0.00031; gnomAD exomes below 0.00001; ExAC 0.00001; gnomAD 0.00001.
gnomAD v4.1: 2 of 1,613,788 alleles (0.00012%); highest among the groups gnomAD compares: South Asian, 0.0022%; no homozygotes.

Submission:

Color Diagnostics, LLC DBA Color Health
Classification: Uncertain significance for Hereditary cancer-predisposing syndrome. Last evaluated: 2019-08-30. Review status: criteria provided, single submitter. Criteria: ACMG Guidelines, 2015. Collection method: clinical testing. Allele origin: germline.
Comment: This variant is located in the 5’ untranslated region of the MUTYH gene. Splice site prediction tools suggest that this variant may not impact RNA splicing. To our knowledge, functional studies have not been performed for this variant. This variant has not been reported in individuals affected with hereditary cancer in the literature. This variant has been identified in 1/248836 chromosomes in the general population by the Genome Aggregation Database (gnomAD). The available evidence is insufficient to determine the role of this variant in disease conclusively. Therefore, this variant is classified as a Variant of Uncertain Significance.

NM_001128425.2(MUTYH):c.-15T>C

Genes: MUTYH (mutY DNA glycosylase; minus strand), TOE1 (target of EGR1, exonuclease; plus strand). Cytogenetic location: 1p34.1.
Variant type: single nucleotide variant.
Coding change: c.-15T>C on transcript NM_001128425.2 (MANE Plus Clinical); 15 bases upstream of the start codon, T replaced by C.
Molecular consequence: 5 prime UTR variant. On other transcripts: missense variant (1), non-coding transcript variant (3).
Genome position (GRCh38, 1-based): chr1:45,340,269, A>G on the plus strand (T>C on the coding strand, the complement: MUTYH is on the minus strand). VCF-style: chr1-45340269-A-G. GRCh37 (hg19) VCF-style: chr1-45805941-A-G.
Other names: c.17A>G, p.Asp6Gly (NM_025077.4); c.-57T>C (NM_001048171.2); c.-15T>C (NM_001293190.2, NM_001407069.1, NM_001407073.1 and 1 more transcripts); c.-269T>C (NM_001293192.2); c.-328T>C (NM_001350650.2); c.-264T>C (NM_001350651.2); c.-73T>C (NM_001407070.1, NM_001407071.1); c.-53T>C (NM_001407072.1); short protein forms D6G.
Identifiers: ClinVar variation 920564 (VCV000920564.5), dbSNP rs562733690, ClinGen allele CA089464.